The following is an entry in ClinVar:

ClinVar aggregate classification (germline): Likely benign. Review status: criteria provided, single submitter (1 of 4 stars). 2 submissions from 2 submitters: Likely benign (1). 1 of the submissions does not count toward it. Last evaluated 2025-09-15.

Conditions:
RECQL4-related disorder. Also called: RECQL4-related disorders; RECQL4-related condition.
Baller-Gerold syndrome (BGS). Also called: CRANIOSYNOSTOSIS WITH RADIAL DEFECTS. Identifiers: Orphanet 1225, MedGen C0265308, MONDO:0009039, OMIM 218600.

gnomAD v4.1: 1 of 1,599,322 alleles (0.000063%); highest among the groups gnomAD compares: Non-Finnish European, 0.000085%; no homozygotes.

Submissions (2):

Labcorp Genetics (formerly Invitae), Labcorp
Classification: Likely benign for Baller-Gerold syndrome. Last evaluated: 2025-09-15. Review status: criteria provided, single submitter. Criteria: Invitae Variant Classification Sherloc (09022015). Collection method: clinical testing. Allele origin: germline.

PreventionGenetics, part of Exact Sciences
Classification: Likely benign for RECQL4-related condition. Last evaluated: 2023-08-14. Review status: no assertion criteria provided. Collection method: clinical testing. Allele origin: germline. Not counted in ClinVar's aggregate classification.
Comment: This variant is classified as likely benign based on ACMG/AMP sequence variant interpretation guidelines (Richards et al. 2015 PMID: 25741868, with internal and published modifications).

NM_004260.4(RECQL4):c.1705-8G>C

Gene: RECQL4 (RecQ like helicase 4; minus strand). Cytogenetic location: 8q24.3.
Variant type: single nucleotide variant.
Coding change: c.1705-8G>C on transcript NM_004260.4 (MANE Select); 8 bases into the intron before coding-DNA position 1705, G replaced by C.
Molecular consequence: intron variant.
Genome position (GRCh38, 1-based): chr8:144,514,370, C>G on the plus strand (G>C on the coding strand, the complement: RECQL4 is on the minus strand). VCF-style: chr8-144514370-C-G. GRCh37 (hg19) VCF-style: chr8-145739754-C-G.
Other names: c.1705-8G>C (NM_004260.3).
Identifiers: ClinVar variation 1099623 (VCV001099623.9), dbSNP rs2130697169, ClinGen allele CA2499219185.